The following is an entry in ClinVar:

ClinVar aggregate classification (germline): Uncertain significance (1 of 4 stars; one submission).

Conditions:
Intellectual developmental disorder with or without epilepsy or cerebellar ataxia. Identifiers: MedGen C4748041, MONDO:0060745, OMIM 618060.

Allele frequency attached by ClinVar (database versions not stated): gnomAD exomes below 0.00001; TOPMed below 0.00001.
gnomAD v4.1: 4 of 1,547,058 alleles (0.00026%); highest among the groups gnomAD compares: Middle Eastern, 0.068%; no homozygotes.

Submission:

Baylor Genetics
Classification: Uncertain significance for Intellectual developmental disorder with or without epilepsy or cerebellar ataxia. Last evaluated: 2019-09-06. Review status: criteria provided, single submitter. Criteria: ACMG Guidelines, 2015. Collection method: clinical testing. Allele origin: unknown. Affected: yes.
Comment: This variant was determined to be of uncertain significance according to ACMG Guidelines, 2015 [PMID:25741868].

NM_134261.3(RORA):c.197-11T>C

Genes: RORA (RAR related orphan receptor A; minus strand), RORA-AS1 (RORA antisense RNA 1; plus strand). Cytogenetic location: 15q22.2.
Variant type: single nucleotide variant.
Coding change: c.197-11T>C on transcript NM_134261.3 (MANE Select); 11 bases into the intron before coding-DNA position 197, T replaced by C.
Molecular consequence: intron variant.
Genome position (GRCh38, 1-based): chr15:60,531,862, A>G on the plus strand (T>C on the coding strand, the complement: RORA is on the minus strand). VCF-style: chr15-60531862-A-G. GRCh37 (hg19) VCF-style: chr15-60824061-A-G.
Other names: c.296-11T>C (NM_134260.3); c.272-11T>C (NM_002943.4); c.32-11T>C (NM_134262.3).
Identifiers: ClinVar variation 1031122 (VCV001031122.1), dbSNP rs927119524, ClinGen allele CA271844763.